The following is an entry in ClinVar:

ClinVar aggregate classification (germline): Uncertain significance. Review status: criteria provided, multiple submitters, no conflicts (2 of 4 stars). 4 submissions from 4 submitters: Uncertain significance (3). 1 of the submissions does not count toward it. Last evaluated 2026-04-17.

Conditions:
Thrombocytopenia. Identifiers: MedGen C0040034, MeSH D013921, MONDO:0002049, HP:0001873.
Abnormal bleeding. Also called: Bleeding diathesis. Identifiers: MedGen C1458140, HP:0001892.
VWF-related disorder. Also called: VWF-related disorders; VWF-related condition.

Allele frequency attached by ClinVar (database versions not stated): gnomAD exomes 0.00005 and 0.00025; gnomAD 0.00006 and 0.00013; ExAC 0.00012; TOPMed 0.00013; 1000 Genomes Project 30x 0.00219; 1000 Genomes Project 0.00240.
gnomAD v4.1: 101 of 1,614,204 alleles (0.0063%); highest among the groups gnomAD compares: East Asian, 0.19%; no homozygotes.

Submissions (4):

PreventionGenetics, part of Exact Sciences
Classification: Uncertain significance for VWF-related condition. Last evaluated: 2026-04-17. Review status: criteria provided, single submitter. Criteria: ACMG Guidelines, 2015. Collection method: clinical testing. Allele origin: germline.
Comment: The VWF c.6424C>T variant is predicted to result in the amino acid substitution p.Leu2142Phe. This variant has been reported in a cohort study of von Willebrand disease (Liang et al. 2017. PubMed ID: 28536718). This variant is reported in 0.32% of alleles in individuals of East Asian descent in gnomAD. At this time, the clinical significance of this variant is uncertain due to the absence of conclusive functional and genetic evidence.

ARUP Laboratories, Molecular Genetics and Genomics, ARUP Laboratories
Classification: Uncertain significance. Last evaluated: 2024-08-26. Review status: criteria provided, single submitter. Criteria: ARUP Molecular Germline Variant Investigation Process 2024. Collection method: clinical testing. Allele origin: germline.
Comment: The VWF c.6424C>T; p.Leu2142Phe variant (rs190741083, ClinVar Variation ID: 988881) is reported in the literature in a compound heterozygous individual affected with von Willebrand disease type 2M (Liang 2017) and an individual with a suspected platelet disorder (Almazni 2020). This variant is found in the East Asian population with an allele frequency of 0.32% (64/19,952 alleles) in the Genome Aggregation Database (v2.1.1). Computational analyses predict that this variant is deleterious (REVEL: 0.704). Due to limited information, the clinical significance of this variant is uncertain at this time. References: Almazni I et al. A comprehensive bioinformatic analysis of 126 patients with an inherited platelet disorder to identify both sequence and copy number genetic variants. Hum Mutat. 2020 Nov;41(11):1848-1865. PMID: 32935436. Liang Q et al. Molecular and clinical profile of VWD in a large cohort of Chinese population: application of next generation sequencing and CNVplex technique. Thromb Haemost. 2017 Jul 26;117(8):1534-1548. PMID: 28536718.

Blueprint Genetics
Classification: Uncertain significance. Last evaluated: 2023-10-06. Review status: criteria provided, single submitter. Criteria: ACMG Guidelines, 2015. Collection method: clinical testing. Allele origin: germline.

Birmingham Platelet Group; University of Birmingham
Classification: Uncertain significance for Thrombocytopenia; Abnormal bleeding. Last evaluated: 2020-05-01. Review status: no assertion criteria provided. Collection method: research. Allele origin: germline. Affected: yes. Not counted in ClinVar's aggregate classification.

NM_000552.5(VWF):c.6424C>T (p.Leu2142Phe)

Gene: VWF (von Willebrand factor; minus strand). Cytogenetic location: 12p13.31.
Variant type: single nucleotide variant.
Coding change: c.6424C>T on transcript NM_000552.5 (MANE Select); coding-DNA position 6424, C replaced by T.
Protein change: p.Leu2142Phe; replaces leucine 2142 with phenylalanine.
Molecular consequence: missense variant.
Genome position (GRCh38, 1-based): chr12:5,994,036, G>A on the plus strand (C>T on the coding strand, the complement: VWF is on the minus strand). VCF-style: chr12-5994036-G-A. GRCh37 (hg19) VCF-style: chr12-6103202-G-A.
Other names: c.6424C>T (NM_000552.4); short protein forms L2142F.
Identifiers: ClinVar variation 988881 (VCV000988881.6), dbSNP rs190741083, ClinGen allele CA6401992.